The following is an entry in ClinVar:

ClinVar aggregate classification (germline): Uncertain significance. Review status: criteria provided, multiple submitters, no conflicts (2 of 4 stars). 2 submissions from 2 submitters: Uncertain significance (2). Last evaluated 2023-06-09.

Allele frequency attached by ClinVar (database versions not stated): gnomAD exomes below 0.00001; ExAC 0.00002; gnomAD 0.00002; TOPMed 0.00003; 1000 Genomes Project 0.00020; 1000 Genomes Project 30x 0.00031.
gnomAD v4.1: 8 of 1,612,822 alleles (0.0005%); highest among the groups gnomAD compares: East Asian, 0.018%; no homozygotes.

Submissions (2):

Labcorp Genetics (formerly Invitae), Labcorp
Classification: Uncertain significance. Last evaluated: 2023-06-09. Review status: criteria provided, single submitter. Criteria: Invitae Variant Classification Sherloc (09022015). Collection method: clinical testing. Allele origin: germline.
Comment: This sequence change replaces valine, which is neutral and non-polar, with leucine, which is neutral and non-polar, at codon 38 of the MYO3A protein (p.Val38Leu). In summary, the available evidence is currently insufficient to determine the role of this variant in disease. Therefore, it has been classified as a Variant of Uncertain Significance. An algorithm developed to predict the effect of missense changes on protein structure and function (PolyPhen-2) suggests that this variant is likely to be disruptive. This variant has not been reported in the literature in individuals affected with MYO3A-related conditions. This variant is present in population databases (rs199597249, gnomAD 0.03%).

GeneDx
Classification: Uncertain significance. Last evaluated: 2023-02-14. Review status: criteria provided, single submitter. Criteria: GeneDx Variant Classification Process June 2021. Collection method: clinical testing. Allele origin: germline. Affected: yes.
Comment: In silico analysis supports that this missense variant does not alter protein structure/function; Has not been previously published as pathogenic or benign to our knowledge

NM_017433.5(MYO3A):c.112G>T (p.Val38Leu)

Gene: MYO3A (myosin IIIA; plus strand). Cytogenetic location: 10p12.1.
Variant type: single nucleotide variant.
Coding change: c.112G>T on transcript NM_017433.5 (MANE Select); coding-DNA position 112, G replaced by T.
Protein change: p.Val38Leu; replaces valine 38 with leucine.
Molecular consequence: missense variant.
Genome position (GRCh38, 1-based): chr10:25,952,222, G>T. VCF-style: chr10-25952222-G-T. GRCh37 (hg19) VCF-style: chr10-26241151-G-T.
Other names: c.112G>T, p.Val38Leu (NM_001368265.1); short protein forms V38L.
Identifiers: ClinVar variation 2575867 (VCV002575867.4), dbSNP rs199597249, ClinGen allele CA5444197.